The following is an entry in ClinVar:

ClinVar aggregate classification (germline): Likely pathogenic (1 of 4 stars; one submission).

gnomAD v4.1: 8 of 1,414,290 alleles (0.00057%); highest among the groups gnomAD compares: African/African-American, 0.0014%; no homozygotes.

Submission:

Labcorp Genetics (formerly Invitae), Labcorp
Classification: Likely pathogenic. Last evaluated: 2025-07-16. Review status: criteria provided, single submitter. Criteria: Invitae Variant Classification Sherloc (09022015). Collection method: clinical testing. Allele origin: germline.
Comment: This sequence change affects an acceptor splice site in intron 6 of the KIZ gene. It is expected to disrupt RNA splicing. Variants that disrupt the donor or acceptor splice site typically lead to a loss of protein function (PMID: 16199547), and loss-of-function variants in KIZ are known to be pathogenic (PMID: 24680887, 29057815). This variant is present in population databases (rs755735340, gnomAD 0.006%). This variant has not been reported in the literature in individuals affected with KIZ-related conditions. Algorithms developed to predict the effect of sequence changes on RNA splicing suggest that this variant may disrupt the consensus splice site. In summary, the currently available evidence indicates that the variant is pathogenic, but additional data are needed to prove that conclusively. Therefore, this variant has been classified as Likely Pathogenic.

Literature cited by the submitters: PubMed 16199547; PubMed 24680887; PubMed 29057815.

NM_018474.6(KIZ):c.1353-1G>C

Genes: KIZ (kizuna centrosomal protein; plus strand), KIZ-AS1 (KIZ antisense RNA 1; minus strand). Cytogenetic location: 20p11.23.
Variant type: single nucleotide variant.
Coding change: c.1353-1G>C on transcript NM_018474.6 (MANE Select); the canonical splice acceptor site of the intron before coding-DNA position 1353, G replaced by C.
Molecular consequence: splice acceptor variant.
Genome position (GRCh38, 1-based): chr20:21,205,490, G>C. VCF-style: chr20-21205490-G-C. GRCh37 (hg19) VCF-style: chr20-21186129-G-C.
Other names: c.1044-1G>C (NM_001352435.2, NM_001163022.3); c.954-1G>C (NM_001163023.3); c.1206-1G>C (NM_001276389.2); c.1011-1G>C (NM_001352436.2); c.1353-1G>C (NM_001352434.2).
Identifiers: ClinVar variation 4767013 (VCV004767013.1).